The following is an entry in ClinVar:

NM_002907.4(RECQL):c.-45-3T>C

Gene: RECQL (RecQ like helicase; minus strand). Cytogenetic location: 12p12.1.
Variant type: single nucleotide variant.
Coding change: c.-45-3T>C on transcript NM_002907.4 (MANE Select); 3 bases into the intron before 45 bases upstream of the start codon, T replaced by C.
Molecular consequence: intron variant.
Genome position (GRCh38, 1-based): chr12:21,499,618, A>G on the plus strand (T>C on the coding strand, the complement: RECQL is on the minus strand). VCF-style: chr12-21499618-A-G. GRCh37 (hg19) VCF-style: chr12-21652552-A-G.
Other names: c.-45-3T>C (NM_032941.3).
Identifiers: ClinVar variation 1341597 (VCV001341597.3), dbSNP rs937893303, ClinGen allele CA233588866.
Genomic context (GRCh38, chr12:21,499,618, plus strand): 5'-AAACGGACGCCATTCTTTTTCTTTCCAAATTTGTTTCTAAAATAATCCAAATTTCTTTCT[A>G]AAAATAAAAGCACAACAGTGACAACAAGTTTTTAAAAATAGTACTATTAATGATGTTCAC-3'

ClinVar aggregate classification (germline): Uncertain significance (1 of 4 stars; one submission).

Allele frequency attached by ClinVar (database versions not stated): gnomAD exomes 0.00001 and 0.00002; gnomAD 0.00002; TOPMed 0.00002.
gnomAD v4.1: 12 of 1,518,020 alleles (0.00079%); highest among the groups gnomAD compares: Non-Finnish European, 0.0011%; no homozygotes.

Submission:

GeneDx
Classification: Uncertain significance. Last evaluated: 2024-03-27. Review status: criteria provided, single submitter. Criteria: GeneDx Variant Classification Process June 2021. Collection method: clinical testing. Allele origin: germline. Affected: yes.
Comment: Not observed at significant frequency in large population cohorts (gnomAD); In silico analysis supports that this variant does not alter splicing; Has not been previously published as pathogenic or benign to our knowledge; Variants in candidate genes are classified as variants of uncertain significance in accordance with ACMG guidelines (PMID: 25741868)